The following is an entry in ClinVar:

ClinVar aggregate classification (germline): Uncertain significance. Review status: criteria provided, multiple submitters, no conflicts (2 of 4 stars). 2 submissions from 2 submitters: Uncertain significance (2). Last evaluated 2022-12-02.

Conditions:
MHC class II deficiency. Also called: BLS, TYPE II; Bare lymphocyte syndrome 2. Identifiers: Orphanet 572, MedGen C5447452, MONDO:0008855.

Allele frequency attached by ClinVar (database versions not stated): gnomAD exomes 0.00006 and 0.00002; ExAC 0.00007; gnomAD 0.00005; TOPMed 0.00005.
gnomAD v4.1: 39 of 1,614,094 alleles (0.0024%); highest among the groups gnomAD compares: Admixed American, 0.017%; no homozygotes.

Submissions (2):

Labcorp Genetics (formerly Invitae), Labcorp
Classification: Uncertain significance for MHC class II deficiency. Last evaluated: 2022-12-02. Review status: criteria provided, single submitter. Criteria: Invitae Variant Classification Sherloc (09022015). Collection method: clinical testing. Allele origin: germline.
Comment: This variant is present in population databases (rs761951873, gnomAD 0.03%). This sequence change replaces leucine, which is neutral and non-polar, with proline, which is neutral and non-polar, at codon 21 of the RFXANK protein (p.Leu21Pro). In summary, the available evidence is currently insufficient to determine the role of this variant in disease. Therefore, it has been classified as a Variant of Uncertain Significance. Algorithms developed to predict the effect of missense changes on protein structure and function output the following: SIFT: "Tolerated"; PolyPhen-2: "Benign"; Align-GVGD: "Class C0". The proline amino acid residue is found in multiple mammalian species, which suggests that this missense change does not adversely affect protein function. ClinVar contains an entry for this variant (Variation ID: 1422653). This variant has not been reported in the literature in individuals affected with RFXANK-related conditions.

Breakthrough Genomics
Classification: Uncertain significance. Review status: criteria provided, single submitter. Criteria: ACMG Guidelines, 2015. Collection method: not provided. Allele origin: germline. Inheritance: Autosomal dominant inheritance. Affected: yes.

NM_003721.4(RFXANK):c.62T>C (p.Leu21Pro)

Gene: RFXANK (regulatory factor X associated ankyrin containing protein; plus strand). Cytogenetic location: 19p13.11.
Variant type: single nucleotide variant.
Coding change: c.62T>C on transcript NM_003721.4 (MANE Select); coding-DNA position 62, T replaced by C.
Protein change: p.Leu21Pro; replaces leucine 21 with proline.
Molecular consequence: missense variant.
Genome position (GRCh38, 1-based): chr19:19,194,008, T>C. VCF-style: chr19-19194008-T-C. GRCh37 (hg19) VCF-style: chr19-19304817-T-C.
Other names: c.62T>C, p.Leu21Pro (NM_001278727.2, NM_001278728.2, NM_001370233.1 and 6 more transcripts); short protein forms L21P.
Identifiers: ClinVar variation 1422653 (VCV001422653.7), dbSNP rs761951873, ClinGen allele CA9322588.